The following is an entry in ClinVar:

ClinVar aggregate classification (germline): Conflicting classifications of pathogenicity. Review status: criteria provided, conflicting classifications (1 of 4 stars). 4 submissions from 4 submitters: Uncertain significance (3); Likely benign (1). Last evaluated 2025-12-30.

Conditions:
Nephronophthisis. Also called: Juvenile Nephronophthisis. Identifiers: Orphanet 655, MedGen C0687120, MONDO:0019005, HP:0000090.
Nephronophthisis 3 (NPHP3). Also called: Adolescent nephronophthisis. Identifiers: Orphanet 655, MedGen C1858392, MONDO:0011456, OMIM 604387.
NPHP3-related Meckel-like syndrome. Also called: Meckel syndrome type 7; GOLDSTON SYNDROME. Identifiers: Orphanet 3032, MedGen C2673885, MONDO:0009966, OMIM 267010.
Renal-hepatic-pancreatic dysplasia 1 (RHPD1). Identifiers: MedGen C3715199, MONDO:0008833, OMIM 208540.

Allele frequency attached by ClinVar (database versions not stated): gnomAD exomes below 0.00001; ExAC 0.00001; gnomAD 0.00001; TOPMed 0.00001; 1000 Genomes Project 30x 0.00016; 1000 Genomes Project 0.00020.
gnomAD v4.1: 3 of 1,614,010 alleles (0.00019%); highest among the groups gnomAD compares: Admixed American, 0.0033%; no homozygotes.

Submissions (4):

Labcorp Genetics (formerly Invitae), Labcorp
Classification: Likely benign for Nephronophthisis. Last evaluated: 2025-12-30. Review status: criteria provided, single submitter. Criteria: Invitae Variant Classification Sherloc (09022015). Collection method: clinical testing. Allele origin: germline.

GeneDx
Classification: Uncertain significance. Last evaluated: 2023-07-13. Review status: criteria provided, single submitter. Criteria: GeneDx Variant Classification Process June 2021. Collection method: clinical testing. Allele origin: germline. Affected: yes.
Comment: Not observed at significant frequency in large population cohorts (gnomAD); In silico analysis supports that this variant does not alter splicing; Has not been previously published as pathogenic or benign to our knowledge

Fulgent Genetics
Classification: Uncertain significance for Renal-hepatic-pancreatic dysplasia 1; NPHP3-related Meckel-like syndrome; Nephronophthisis 3. Last evaluated: 2022-01-26. Review status: criteria provided, single submitter. Criteria: ACMG Guidelines, 2015. Collection method: clinical testing. Allele origin: unknown.

Eurofins Ntd Llc (ga)
Classification: Uncertain significance. Last evaluated: 2017-02-27. Review status: criteria provided, single submitter. Criteria: EGL Classification Definitions 2015. Collection method: clinical testing. Allele origin: germline. Observed: 1 variant allele, 1 heterozygote.

NM_153240.5(NPHP3):c.2346G>A (p.Val782=)

Genes: NPHP3 (nephrocystin 3; minus strand), NPHP3-ACAD11 (NPHP3-ACAD11 readthrough (NMD candidate); minus strand). Cytogenetic location: 3q22.1.
Variant type: single nucleotide variant.
Coding change: c.2346G>A on transcript NM_153240.5 (MANE Select); coding-DNA position 2346, G replaced by A.
Protein change: p.Val782=; no amino-acid change (valine 782 retained).
Molecular consequence: synonymous variant. On other transcripts: non-coding transcript variant (1).
Genome position (GRCh38, 1-based): chr3:132,692,783, C>T on the plus strand (G>A on the coding strand, the complement: NPHP3 is on the minus strand). VCF-style: chr3-132692783-C-T. GRCh37 (hg19) VCF-style: chr3-132411627-C-T.
Other names: c.2346G>A (NM_153240.4).
Identifiers: ClinVar variation 500644 (VCV000500644.11), dbSNP rs200418725, ClinGen allele CA2622034.